The following is an entry in ClinVar:

ClinVar aggregate classification (germline): Uncertain significance (1 of 4 stars; one submission).

gnomAD v4.1: 1 of 1,613,852 alleles (0.000062%); highest among the groups gnomAD compares: Admixed American, 0.0017%; no homozygotes.

Submission:

Labcorp Genetics (formerly Invitae), Labcorp
Classification: Uncertain significance. Last evaluated: 2025-03-04. Review status: criteria provided, single submitter. Criteria: Invitae Variant Classification Sherloc (09022015). Collection method: clinical testing. Allele origin: germline.
Comment: This sequence change replaces valine, which is neutral and non-polar, with leucine, which is neutral and non-polar, at codon 606 of the GSN protein (p.Val606Leu). This variant is not present in population databases (gnomAD no frequency). This variant has not been reported in the literature in individuals affected with GSN-related conditions. Invitae Evidence Modeling of protein sequence and biophysical properties (such as structural, functional, and spatial information, amino acid conservation, physicochemical variation, residue mobility, and thermodynamic stability) indicates that this missense variant is not expected to disrupt GSN protein function with a negative predictive value of 80%. In summary, the available evidence is currently insufficient to determine the role of this variant in disease. Therefore, it has been classified as a Variant of Uncertain Significance.

NM_198252.3(GSN):c.1663G>T (p.Val555Leu)

Gene: GSN (gelsolin; plus strand). Cytogenetic location: 9q33.2.
Variant type: single nucleotide variant.
Coding change: c.1663G>T on transcript NM_198252.3 (MANE Select); coding-DNA position 1663, G replaced by T.
Protein change: p.Val555Leu; replaces valine 555 with leucine.
Molecular consequence: missense variant.
Genome position (GRCh38, 1-based): chr9:121,327,383, G>T. VCF-style: chr9-121327383-G-T. GRCh37 (hg19) VCF-style: chr9-124089661-G-T.
Other names: c.1816G>T, p.Val606Leu (NM_000177.5); c.1663G>T, p.Val555Leu (NM_001127662.2, NM_001127664.2, NM_001127665.2 and 10 more transcripts); c.1771G>T, p.Val591Leu (NM_001127663.2); c.1696G>T, p.Val566Leu (NM_001127666.2, NM_001127667.2, NM_001353063.2 and 13 more transcripts); c.1714G>T, p.Val572Leu (NM_001258029.2); c.1687G>T, p.Val563Leu (NM_001258030.2); c.1735G>T, p.Val579Leu (NM_001353076.2); c.1009G>T, p.Val337Leu (NM_001353078.2); short protein forms V555L, V579L, V606L, V572L, V563L, V566L, V337L, V591L.
Identifiers: ClinVar variation 4742909 (VCV004742909.1).
Genomic context (GRCh38, chr9:121,327,383, plus strand): 5'-GGTGCACTGAACTCCAACGATGCCTTTGTTCTGAAAACCCCCTCAGCCGCCTACCTGTGG[G>T]TGGGTACAGGAGCCAGCGAGGCAGAGAAGACGGGGGCCCAGGAGCTGCTCAGGGTGCTGC-3'
Protein context (NP_937895.1, residues 545-565): LKTPSAAYLW[Val555Leu]GTGASEAEKT